The following is an entry in ClinVar:

NM_004281.4(BAG3):c.754G>C (p.Gly252Arg)

Gene: BAG3 (BAG cochaperone 3; plus strand). Cytogenetic location: 10q26.11.
Variant type: single nucleotide variant.
Coding change: c.754G>C on transcript NM_004281.4 (MANE Select); coding-DNA position 754, G replaced by C.
Protein change: p.Gly252Arg; replaces glycine 252 with arginine.
Molecular consequence: missense variant.
Genome position (GRCh38, 1-based): chr10:119,672,501, G>C. VCF-style: chr10-119672501-G-C. GRCh37 (hg19) VCF-style: chr10-121432013-G-C.
Other names: short protein forms G252R.
Identifiers: ClinVar variation 3758324 (VCV003758324.2).

ClinVar aggregate classification (germline): Uncertain significance (1 of 4 stars; one submission).

Conditions:
Dilated cardiomyopathy 1HH (CMD1HH). Identifiers: Orphanet 154, MedGen C3151293, MONDO:0013479, OMIM 613881.
Myofibrillar myopathy 6. Identifiers: Orphanet 199340, MedGen C2751831, MONDO:0013061, OMIM 612954.

Submission:

Labcorp Genetics (formerly Invitae), Labcorp
Classification: Uncertain significance for Dilated cardiomyopathy 1HH; Myofibrillar myopathy 6. Last evaluated: 2024-10-06. Review status: criteria provided, single submitter. Criteria: Invitae Variant Classification Sherloc (09022015). Collection method: clinical testing. Allele origin: germline.
Comment: This sequence change replaces glycine, which is neutral and non-polar, with arginine, which is basic and polar, at codon 252 of the BAG3 protein (p.Gly252Arg). This variant is not present in population databases (gnomAD no frequency). This variant has not been reported in the literature in individuals affected with BAG3-related conditions. Invitae Evidence Modeling of protein sequence and biophysical properties (such as structural, functional, and spatial information, amino acid conservation, physicochemical variation, residue mobility, and thermodynamic stability) indicates that this missense variant is not expected to disrupt BAG3 protein function with a negative predictive value of 80%. In summary, the available evidence is currently insufficient to determine the role of this variant in disease. Therefore, it has been classified as a Variant of Uncertain Significance.